The following is an entry in ClinVar:

ClinVar aggregate classification (germline): Likely pathogenic (1 of 4 stars; one submission).

Conditions:
Autosomal recessive limb-girdle muscular dystrophy type 2J (LGMDR10). Also called: Limb-girdle muscular dystrophy, type 2J; MUSCULAR DYSTROPHY, LIMB-GIRDLE, AUTOSOMAL RECESSIVE 10. Identifiers: Orphanet 140922, MedGen C1837342, MONDO:0012127, OMIM 608807.
Dilated cardiomyopathy 1G (CMD1G). Identifiers: Orphanet 154, MedGen C1858763, MONDO:0011400, OMIM 604145.

Submission:

Labcorp Genetics (formerly Invitae), Labcorp
Classification: Likely pathogenic for Dilated cardiomyopathy 1G; Autosomal recessive limb-girdle muscular dystrophy type 2J. Last evaluated: 2025-10-23. Review status: criteria provided, single submitter. Criteria: Invitae Variant Classification Sherloc (09022015). Collection method: clinical testing. Allele origin: germline.
Comment: This sequence change creates a premature translational stop signal (p.Gln3338*) in the TTN gene. While this is not anticipated to result in nonsense mediated decay, it is expected to create a truncated TTN protein. This variant is not present in population databases (gnomAD no frequency). This variant has not been reported in the literature in individuals affected with TTN-related conditions. This variant is located in the I band of TTN (PMID: 25589632). Truncating variants in this region have been reported in individuals affected with autosomal recessive centronuclear myopathy (PMID: 23975875, internal data). Truncating variants in this region have also been identified in individuals affected with autosomal dominant dilated cardiomyopathy and/or cardio-related conditions (PMID: 27869827, 32964742, internal data). In summary, the currently available evidence indicates that the variant is pathogenic, but additional data are needed to prove that conclusively. Therefore, this variant has been classified as Likely Pathogenic.

Literature cited by the submitters: PubMed 25589632; PubMed 23975875; PubMed 27869827; PubMed 32964742.

NM_001267550.2(TTN):c.10012C>T (p.Gln3338Ter)

Gene: TTN (titin; minus strand). Cytogenetic location: 2q31.2.
Variant type: single nucleotide variant.
Coding change: c.10012C>T on transcript NM_001267550.2 (MANE Select); coding-DNA position 10012, C replaced by T.
Protein change: p.Gln3338Ter; replaces glutamine 3338 with a stop codon.
Molecular consequence: nonsense.
Genome position (GRCh38, 1-based): chr2:178,764,279, G>A on the plus strand (C>T on the coding strand, the complement: TTN is on the minus strand). VCF-style: chr2-178764279-G-A. GRCh37 (hg19) VCF-style: chr2-179629006-G-A.
Other names: c.10012C>T, p.Gln3338Ter (NM_001256850.1, NM_133378.4, NM_133379.5); c.9874C>T, p.Gln3292Ter (NM_003319.4, NM_133432.3, NM_133437.4); short protein forms Q3292*, Q3338*.
Identifiers: ClinVar variation 4792615 (VCV004792615.1).